The following is an entry in ClinVar:

ClinVar aggregate classification (germline): Uncertain significance (1 of 4 stars; one submission).

Conditions:
Multiple endocrine neoplasia, type 2 (MEN2). Identifiers: Orphanet 653, MedGen C4048306, MONDO:0019003. Disease mechanism: gain of function.

Submission:

Labcorp Genetics (formerly Invitae), Labcorp
Classification: Uncertain significance for Multiple endocrine neoplasia, type 2. Last evaluated: 2022-01-28. Review status: criteria provided, single submitter. Criteria: Invitae Variant Classification Sherloc (09022015). Collection method: clinical testing. Allele origin: germline.
Comment: Algorithms developed to predict the effect of missense changes on protein structure and function are either unavailable or do not agree on the potential impact of this missense change (SIFT: "Tolerated"; PolyPhen-2: "Possibly Damaging"; Align-GVGD: "Class C0"). In summary, the available evidence is currently insufficient to determine the role of this variant in disease. Therefore, it has been classified as a Variant of Uncertain Significance. This variant has not been reported in the literature in individuals affected with RET-related conditions. This variant is not present in population databases (gnomAD no frequency). This sequence change replaces threonine, which is neutral and polar, with asparagine, which is neutral and polar, at codon 244 of the RET protein (p.Thr244Asn).

NM_020975.6(RET):c.731C>A (p.Thr244Asn)

Gene: RET (ret proto-oncogene; plus strand). Cytogenetic location: 10q11.21.
Variant type: single nucleotide variant.
Coding change: c.731C>A on transcript NM_020975.6 (MANE Select); coding-DNA position 731, C replaced by A.
Protein change: p.Thr244Asn; replaces threonine 244 with asparagine.
Molecular consequence: missense variant.
Genome position (GRCh38, 1-based): chr10:43,105,057, C>A. VCF-style: chr10-43105057-C-A. GRCh37 (hg19) VCF-style: chr10-43600505-C-A.
Other names: c.731C>A, p.Thr244Asn (NM_000323.2, NM_001406743.1, NM_001406744.1 and 8 more transcripts); c.-32C>A (NM_001355216.2); c.602C>A, p.Thr201Asn (NM_001406761.1, NM_001406762.1, NM_001406764.1 and 2 more transcripts); c.443C>A, p.Thr148Asn (NM_001406766.1, NM_001406767.1, NM_001406770.1); short protein forms T148N, T201N, T244N.
Identifiers: ClinVar variation 1971173 (VCV001971173.5), dbSNP rs145970248, ClinGen allele CA376544788.